The following is an entry in ClinVar:

NM_000130.5(F5):c.22C>T (p.Leu8Phe)

Gene: F5 (coagulation factor V; minus strand). Cytogenetic location: 1q24.2.
Variant type: single nucleotide variant.
Coding change: c.22C>T on transcript NM_000130.5 (MANE Select); coding-DNA position 22, C replaced by T.
Protein change: p.Leu8Phe; replaces leucine 8 with phenylalanine.
Molecular consequence: missense variant.
Genome position (GRCh38, 1-based): chr1:169,586,365, G>A on the plus strand (C>T on the coding strand, the complement: F5 is on the minus strand). VCF-style: chr1-169586365-G-A. GRCh37 (hg19) VCF-style: chr1-169555603-G-A.
Other names: short protein forms L8F.
Identifiers: ClinVar variation 2886019 (VCV002886019.3), dbSNP rs754696079, ClinGen allele CA1234752.
Genomic context (GRCh38, chr1:169,586,365, plus strand): 5'-CTTCTGTCCCTTGGCTCCCCCAGCCTACCCAGCTGGTGCCCAAGACCACCAGGACCCAGA[G>A]GCGTGGGCAGCCTGGGAACATGCTTCCTTTCCTGCTCCCGCTGGCTGCCACCACCCCAGG-3'
Protein context (NP_000121.2, residues 1-18): MFPGCPR[Leu8Phe]WVLVVLGTSW

ClinVar aggregate classification (germline): Uncertain significance (1 of 4 stars; one submission).

Conditions:
Congenital factor V deficiency. Also called: Hereditary factor V deficiency disease; LABILE FACTOR DEFICIENCY; OWREN PARAHEMOPHILIA; PARAHEMOPHILIA. Identifiers: Orphanet 326, MedGen C0015499, MONDO:0009210, OMIM 227400.

Allele frequency attached by ClinVar (database versions not stated): gnomAD exomes below 0.00001; ExAC 0.00001.
gnomAD v4.1: 6 of 1,613,756 alleles (0.00037%); highest among the groups gnomAD compares: Non-Finnish European, 0.00051%; no homozygotes.

Submission:

Labcorp Genetics (formerly Invitae), Labcorp
Classification: Uncertain significance for Congenital factor V deficiency. Last evaluated: 2023-09-06. Review status: criteria provided, single submitter. Criteria: Invitae Variant Classification Sherloc (09022015). Collection method: clinical testing. Allele origin: germline.
Comment: This variant is present in population databases (rs754696079, gnomAD 0.002%). In summary, the available evidence is currently insufficient to determine the role of this variant in disease. Therefore, it has been classified as a Variant of Uncertain Significance. Advanced modeling of protein sequence and biophysical properties (such as structural, functional, and spatial information, amino acid conservation, physicochemical variation, residue mobility, and thermodynamic stability) performed at Invitae indicates that this missense variant is not expected to disrupt F5 protein function. This variant has not been reported in the literature in individuals affected with F5-related conditions. This sequence change replaces leucine, which is neutral and non-polar, with phenylalanine, which is neutral and non-polar, at codon 8 of the F5 protein (p.Leu8Phe).